The following is an entry in ClinVar:

NM_001793.6(CDH3):c.2308dup (p.Thr770fs)

Gene: CDH3 (cadherin 3; plus strand). Cytogenetic location: 16q22.1.
Variant type: Duplication.
Coding change: c.2308dup on transcript NM_001793.6 (MANE Select); coding-DNA position 2308, one base duplicated (A; older notation c.2308dupA).
Protein change: p.Thr770fs; shifts the reading frame from threonine 770.
Molecular consequence: frameshift variant. On other transcripts: 3 prime UTR variant (1).
Genome position (GRCh38, 1-based): chr16:68,698,218, A duplicated. VCF-style (leftmost placement, unchanged base first): chr16-68698217-C-CA. GRCh37 (hg19) VCF-style: chr16-68732120-C-CA.
Other names: c.*51dup (NM_001317195.3); c.2143dup, p.Thr715fs (NM_001317196.2); short protein forms T715fs, T770fs.
Identifiers: ClinVar variation 1374084 (VCV001374084.6), dbSNP rs2152107938, ClinGen allele CA2573152572.

ClinVar aggregate classification (germline): Uncertain significance (1 of 4 stars; one submission).

Submission:

Labcorp Genetics (formerly Invitae), Labcorp
Classification: Uncertain significance. Last evaluated: 2024-10-24. Review status: criteria provided, single submitter. Criteria: Invitae Variant Classification Sherloc (09022015). Collection method: clinical testing. Allele origin: germline.
Comment: This sequence change creates a premature translational stop signal (p.Thr770Asnfs*14) in the CDH3 gene. While this is not anticipated to result in nonsense mediated decay, it is expected to disrupt the last 60 amino acid(s) of the CDH3 protein. This variant is not present in population databases (gnomAD no frequency). This variant has not been reported in the literature in individuals affected with CDH3-related conditions. ClinVar contains an entry for this variant (Variation ID: 1374084). Experimental studies and prediction algorithms are not available or were not evaluated, and the functional significance of this variant is currently unknown. This variant disrupts the C-terminus of the CDH3 protein. Other variant(s) that disrupt this region (p.Gly786Alafs*7) have been observed in individuals with CDH3-related conditions (PMID: 27386845). This suggests that this may be a clinically significant region of the protein. In summary, the available evidence is currently insufficient to determine the role of this variant in disease. Therefore, it has been classified as a Variant of Uncertain Significance.

Literature cited by the submitters: PubMed 27386845.